The following is an entry in ClinVar:

ClinVar aggregate classification (germline): Pathogenic (1 of 4 stars; one submission).

Conditions:
Pyridoxine-dependent epilepsy (EPEO4). Also called: PYRIDOXINE DEPENDENCY WITH SEIZURES; Pyridoxine-Dependent Seizures; Pyridoxine-Dependent Epilepsy - ALDH7A1; EPILEPSY, EARLY-ONSET, 4, VITAMIN B6-DEPENDENT. Identifiers: Orphanet 3006, MedGen C1849508, MONDO:0009945, OMIM 266100. Disease mechanism: loss of function.

Submission:

Labcorp Genetics (formerly Invitae), Labcorp
Classification: Pathogenic for Pyridoxine-dependent epilepsy. Last evaluated: 2023-07-28. Review status: criteria provided, single submitter. Criteria: Invitae Variant Classification Sherloc (09022015). Collection method: clinical testing. Allele origin: unknown.
Comment: This variant is a gross deletion of the genomic region encompassing exon(s) 10-18 of the ALDH7A1 gene, which includes the termination codon. This deletion extends beyond the assayed region for this gene and therefore may encompass additional genes. While this deletion is not anticipated to lead to nonsense mediated decay, it is expected to alter mRNA translation or result in a truncated protein product. This variant has not been reported in the literature in individuals affected with ALDH7A1-related conditions. This variant disrupts a region of the ALDH7A1 protein in which other variant(s) (p.Tyr516Cys) have been determined to be pathogenic (PMID: 29852413, 31737911, 31965297). This suggests that this is a clinically significant region of the protein, and that variants that disrupt it are likely to be disease-causing. For these reasons, this variant has been classified as Pathogenic.

Literature cited by the submitters: PubMed 29852413; PubMed 31737911; PubMed 31965297.

NC_000005.9:g.(?_125880657)_(125896836_?)del

Gene: ALDH7A1 (aldehyde dehydrogenase 7 family member A1; minus strand). Cytogenetic location: 5q23.2.
Variant type: Deletion.
Identifiers: ClinVar variation 3246341 (VCV003246341.1).